The following is an entry in ClinVar:

ClinVar aggregate classification (germline): Uncertain significance (1 of 4 stars; one submission).

Conditions:
Anterior segment dysgenesis 7 (ASGD7). Also called: Anterior segment dysgenesis 7, with sclerocornea; SCLEROCORNEA WITH OTHER OCULAR ANOMALIES. Identifiers: Orphanet 289499, MedGen C3151617, MONDO:0010015, OMIM 269400.

Submission:

Labcorp Genetics (formerly Invitae), Labcorp
Classification: Uncertain significance for Anterior segment dysgenesis 7. Last evaluated: 2022-04-06. Review status: criteria provided, single submitter. Criteria: Invitae Variant Classification Sherloc (09022015). Collection method: clinical testing. Allele origin: germline.
Comment: Algorithms developed to predict the effect of missense changes on protein structure and function are either unavailable or do not agree on the potential impact of this missense change (SIFT: "Tolerated"; PolyPhen-2: "Possibly Damaging"; Align-GVGD: "Class C0"). In summary, the available evidence is currently insufficient to determine the role of this variant in disease. Therefore, it has been classified as a Variant of Uncertain Significance. This variant has not been reported in the literature in individuals affected with PXDN-related conditions. This variant is not present in population databases (gnomAD no frequency). This sequence change replaces isoleucine, which is neutral and non-polar, with phenylalanine, which is neutral and non-polar, at codon 248 of the PXDN protein (p.Ile248Phe).

NM_012293.3(PXDN):c.742A>T (p.Ile248Phe)

Gene: PXDN (peroxidasin; minus strand). Cytogenetic location: 2p25.3.
Variant type: single nucleotide variant.
Coding change: c.742A>T on transcript NM_012293.3 (MANE Select); coding-DNA position 742, A replaced by T.
Protein change: p.Ile248Phe; replaces isoleucine 248 with phenylalanine.
Molecular consequence: missense variant.
Genome position (GRCh38, 1-based): chr2:1,677,033, T>A on the plus strand (A>T on the coding strand, the complement: PXDN is on the minus strand). VCF-style: chr2-1677033-T-A. GRCh37 (hg19) VCF-style: chr2-1680805-T-A.
Other names: short protein forms I248F.
Identifiers: ClinVar variation 2088138 (VCV002088138.4), dbSNP rs1683735913, ClinGen allele CA345717621.